The following is an entry in ClinVar:

ClinVar aggregate classification (germline): Uncertain significance (1 of 4 stars; one submission).

Conditions:
Charcot-Marie-Tooth disease axonal type 2O. Also called: Charcot-Marie-Tooth disease, axonal, type 20; CHARCOT-MARIE-TOOTH NEUROPATHY, AXONAL, TYPE 2O; CHARCOT-MARIE-TOOTH DISEASE, AXONAL, AUTOSOMAL DOMINANT, TYPE 2O; Charcot-Marie-Tooth Neuropathy Type 2O. Identifiers: Orphanet 284232, MedGen C3280220, MONDO:0013644, OMIM 614228.

gnomAD v4.1: 3 of 1,614,022 alleles (0.00019%); highest among the groups gnomAD compares: African/African-American, 0.0013%; no homozygotes.

Submission:

Labcorp Genetics (formerly Invitae), Labcorp
Classification: Uncertain significance for Charcot-Marie-Tooth disease axonal type 2O. Last evaluated: 2025-01-30. Review status: criteria provided, single submitter. Criteria: Invitae Variant Classification Sherloc (09022015). Collection method: clinical testing. Allele origin: germline.
Comment: This sequence change falls in intron 51 of the DYNC1H1 gene. It does not directly change the encoded amino acid sequence of the DYNC1H1 protein. It affects a nucleotide within the consensus splice site. This variant is not present in population databases (gnomAD no frequency). This variant has not been reported in the literature in individuals affected with DYNC1H1-related conditions. Variants that disrupt the consensus splice site are a relatively common cause of aberrant splicing (PMID: 17576681, 9536098). Algorithms developed to predict the effect of sequence changes on RNA splicing suggest that this variant is not likely to affect RNA splicing. In summary, the available evidence is currently insufficient to determine the role of this variant in disease. Therefore, it has been classified as a Variant of Uncertain Significance.

Literature cited by the submitters: PubMed 17576681; PubMed 9536098.

NM_001376.5(DYNC1H1):c.9883+4T>C

Gene: DYNC1H1 (dynein cytoplasmic 1 heavy chain 1; plus strand). Cytogenetic location: 14q32.31.
Variant type: single nucleotide variant.
Coding change: c.9883+4T>C on transcript NM_001376.5 (MANE Select); 4 bases into the intron after coding-DNA position 9883, T replaced by C.
Molecular consequence: intron variant.
Genome position (GRCh38, 1-based): chr14:102,030,286, T>C. VCF-style: chr14-102030286-T-C. GRCh37 (hg19) VCF-style: chr14-102496623-T-C.
Identifiers: ClinVar variation 3626427 (VCV003626427.2).